The following is an entry in ClinVar:

NM_001845.6(COL4A1):c.4178G>A (p.Gly1393Glu)

Gene: COL4A1 (collagen type IV alpha 1 chain; minus strand). Cytogenetic location: 13q34.
Variant type: single nucleotide variant.
Coding change: c.4178G>A on transcript NM_001845.6 (MANE Select); coding-DNA position 4178, G replaced by A.
Protein change: p.Gly1393Glu; replaces glycine 1393 with glutamic acid.
Molecular consequence: missense variant.
Genome position (GRCh38, 1-based): chr13:110,163,534, C>T on the plus strand (G>A on the coding strand, the complement: COL4A1 is on the minus strand). VCF-style: chr13-110163534-C-T. GRCh37 (hg19) VCF-style: chr13-110815881-C-T.
Other names: short protein forms G1393E.
Identifiers: ClinVar variation 3242114 (VCV003242114.1), dbSNP rs2501741661.

ClinVar aggregate classification (germline): Likely pathogenic (1 of 4 stars; one submission).

Conditions:
Brain small vessel disease 1 with or without ocular anomalies (BSVD1). Also called: PORENCEPHALY, TYPE 1, AUTOSOMAL DOMINANT; Brain small vessel disease with or without ocular anomalies; GOULD SYNDROME 1; BRAIN SMALL VESSEL DISEASE WITH HEMORRHAGE. Identifiers: Orphanet 2940, Orphanet 36383, Orphanet 99810, MedGen C4755307, MONDO:0008289, OMIM 175780.

Submission:

Neuberg Centre For Genomic Medicine, NCGM
Classification: Likely pathogenic for Brain small vessel disease 1 with or without ocular anomalies. Review status: criteria provided, single submitter. Criteria: ACMG Guidelines, 2015. Collection method: clinical testing. Allele origin: germline. Inheritance: Autosomal dominant inheritance. Affected: yes.
Comment: The missense variant c.4178G>A(p.Gly1393Glu) in the COL4A1 gene has been reported previously in an individual affected with Congenital muscular dystrophy (Kiss et al., 2019). This variant is absent in GnomAD exome.This variant disrupts the triple helix domain of COL4A1. Glycine residues within the Gly-Xaa-Yaa repeats of the triple helix domain are required for the structure and stability of fibrillar collagens (Shoulders MD et al. 2009). In COL4A1 variants affecting these glycine residues are significantly enriched in individuals with disease (Dalgleish R. et al. 1997). The amino acid Glycine at position 1393 is changed to a Glutamic Acid changing protein sequence and it might alter its composition and physico-chemical properties. The variant is predicted as damaging by SIFT. The amino acid change p.Gly1393Glu in COL4A1 is predicted as conserved by GERP++ and PhyloP across 100 vertebrates. However, study on multiple affected individuals and functional impact of the variant is not available For these reasons, this variant has been classified as Likely pathogenic.